The following is an entry in ClinVar:

ClinVar aggregate classification (germline): Benign/Likely benign. Review status: criteria provided, multiple submitters, no conflicts (2 of 4 stars). 3 submissions from 3 submitters: Benign (1); Likely benign (2). Last evaluated 2025-06-02.

Conditions:
Hereditary cancer-predisposing syndrome. Also called: Neoplastic Syndromes, Hereditary; Hereditary Cancer Syndrome; Hereditary neoplastic syndrome; Tumor predisposition. Identifiers: Orphanet 140162, MedGen C0027672, MeSH D009386, MONDO:0015356.
Tuberous sclerosis 2 (TSC2). Identifiers: Orphanet 805, MedGen C1860707, MONDO:0013199, OMIM 613254.

gnomAD v4.1: 1 of 1,611,384 alleles (0.000062%); no homozygotes.

Submissions (3):

Myriad Genetics, Inc.
Classification: Benign for Tuberous sclerosis 2. Last evaluated: 2025-06-02. Review status: criteria provided, single submitter. Criteria: Myriad Autosomal Dominant, Autosomal Recessive and X-Linked Classification Criteria (2023). Collection method: clinical testing. Allele origin: unknown.
Comment: This variant is considered benign. This variant is a silent/synonymous amino acid change and it is not expected to impact splicing.

Labcorp Genetics (formerly Invitae), Labcorp
Classification: Likely benign for Tuberous sclerosis 2. Last evaluated: 2023-03-29. Review status: criteria provided, single submitter. Criteria: Invitae Variant Classification Sherloc (09022015). Collection method: clinical testing. Allele origin: germline.

Ambry Genetics
Classification: Likely benign for Hereditary cancer-predisposing syndrome. Last evaluated: 2018-10-04. Review status: criteria provided, single submitter. Criteria: Ambry Variant Classification Scheme 2023. Collection method: clinical testing. Allele origin: germline.

NM_000548.5(TSC2):c.3969G>T (p.Ala1323=)

Gene: TSC2 (TSC complex subunit 2; plus strand). Cytogenetic location: 16p13.3.
Variant type: single nucleotide variant.
Coding change: c.3969G>T on transcript NM_000548.5 (MANE Select); coding-DNA position 3969, G replaced by T.
Protein change: p.Ala1323=; no amino-acid change (alanine 1323 retained).
Molecular consequence: synonymous variant.
Genome position (GRCh38, 1-based): chr16:2,083,780, G>T. VCF-style: chr16-2083780-G-T. GRCh37 (hg19) VCF-style: chr16-2133781-G-T.
Other names: c.3237G>T, p.Ala1079= (NM_001318831.2); c.3801G>T, p.Ala1267= (NM_001318832.2); c.3771G>T, p.Ala1257= (NM_001363528.2); c.3840G>T, p.Ala1280= (NM_001370405.1, NM_021055.3); c.3837G>T, p.Ala1279= (NM_001370404.1); c.3768G>T, p.Ala1256= (NM_001077183.3); c.3900G>T, p.Ala1300= (NM_001114382.3); c.3660G>T, p.Ala1220= (NM_001318827.2); and 1 more.
Identifiers: ClinVar variation 824440 (VCV000824440.8), dbSNP rs749057825, ClinGen allele CA492956719.